The following is an entry in ClinVar:

ClinVar aggregate classification (germline): Uncertain significance. Review status: criteria provided, multiple submitters, no conflicts (2 of 4 stars). 2 submissions from 2 submitters: Uncertain significance (2). Last evaluated 2025-10-02.

Allele frequency attached by ClinVar (database versions not stated): gnomAD 0.00001 and 0.00002; gnomAD exomes 0.00001 and 0.00006; TOPMed 0.00003; ExAC 0.00005; 1000 Genomes Project 30x 0.00016; 1000 Genomes Project 0.00020.
gnomAD v4.1: 20 of 1,611,832 alleles (0.0012%); highest among the groups gnomAD compares: Admixed American, 0.025%; no homozygotes.

Submissions (2):

Ambry Genetics
Classification: Uncertain significance. Last evaluated: 2025-10-02. Review status: criteria provided, single submitter. Criteria: Ambry Variant Classification Scheme 2023. Collection method: clinical testing. Allele origin: germline.

Labcorp Genetics (formerly Invitae), Labcorp
Classification: Uncertain significance. Last evaluated: 2023-10-29. Review status: criteria provided, single submitter. Criteria: Invitae Variant Classification Sherloc (09022015). Collection method: clinical testing. Allele origin: germline.
Comment: This sequence change replaces aspartic acid, which is acidic and polar, with histidine, which is basic and polar, at codon 858 of the ANLN protein (p.Asp858His). This variant is present in population databases (rs573517304, gnomAD 0.04%), and has an allele count higher than expected for a pathogenic variant. This variant has not been reported in the literature in individuals affected with ANLN-related conditions. ClinVar contains an entry for this variant (Variation ID: 1443449). Advanced modeling of protein sequence and biophysical properties (such as structural, functional, and spatial information, amino acid conservation, physicochemical variation, residue mobility, and thermodynamic stability) has been performed at Invitae for this missense variant, however the output from this modeling did not meet the statistical confidence thresholds required to predict the impact of this variant on ANLN protein function. In summary, the available evidence is currently insufficient to determine the role of this variant in disease. Therefore, it has been classified as a Variant of Uncertain Significance.

NM_018685.5(ANLN):c.2572G>C (p.Asp858His)

Gene: ANLN (anillin, actin binding protein; plus strand). Cytogenetic location: 7p14.2.
Variant type: single nucleotide variant.
Coding change: c.2572G>C on transcript NM_018685.5 (MANE Select); coding-DNA position 2572, G replaced by C.
Protein change: p.Asp858His; replaces aspartic acid 858 with histidine.
Molecular consequence: missense variant.
Genome position (GRCh38, 1-based): chr7:36,423,912, G>C. VCF-style: chr7-36423912-G-C. GRCh37 (hg19) VCF-style: chr7-36463521-G-C.
Other names: c.2461G>C, p.Asp821His (NM_001284301.3); c.2458G>C, p.Asp820His (NM_001284302.3); c.2572G>C (NM_018685.2); short protein forms D821H, D820H, D858H.
Identifiers: ClinVar variation 1443449 (VCV001443449.8), dbSNP rs573517304, ClinGen allele CA4219899.